The following is an entry in ClinVar:

ClinVar aggregate classification (germline): Pathogenic/Likely pathogenic. Review status: criteria provided, multiple submitters, no conflicts (2 of 4 stars). 3 submissions from 3 submitters: Pathogenic (2); Likely pathogenic (1). Last evaluated 2026-02-25.

Conditions:
ALPK3-related disorder. Also called: ALPK3-related condition.
Cardiovascular phenotype. Identifiers: MedGen CN230736.

Submissions (3):

PreventionGenetics, part of Exact Sciences
Classification: Likely pathogenic for ALPK3-related condition. Last evaluated: 2026-02-25. Review status: criteria provided, single submitter. Criteria: ACMG Guidelines, 2015. Collection method: clinical testing. Allele origin: germline.
Comment: The ALPK3 c.4490G>A variant is predicted to result in premature protein termination (p.Trp1497*). To our knowledge, this variant has not been reported in the literature or in a large population database (gnomAD), indicating this variant is rare. Nonsense variants in ALPK3 are expected to be pathogenic. This variant is interpreted as likely pathogenic.

Labcorp Genetics (formerly Invitae), Labcorp
Classification: Pathogenic. Last evaluated: 2025-10-16. Review status: criteria provided, single submitter. Criteria: Invitae Variant Classification Sherloc (09022015). Collection method: clinical testing. Allele origin: germline.
Comment: This sequence change creates a premature translational stop signal (p.Trp1497*) in the ALPK3 gene. It is expected to result in an absent or disrupted protein product. Loss-of-function variants in ALPK3 are known to be pathogenic (PMID: 21441111, 26846950, 27106955, 34263907). This variant is not present in population databases (gnomAD no frequency). This variant has not been reported in the literature in individuals affected with ALPK3-related conditions. ClinVar contains an entry for this variant (Variation ID: 1368779). For these reasons, this variant has been classified as Pathogenic.

Ambry Genetics
Classification: Pathogenic for Cardiovascular phenotype. Last evaluated: 2024-12-31. Review status: criteria provided, single submitter. Criteria: Ambry Variant Classification Scheme 2023. Collection method: clinical testing. Allele origin: germline.
Comment: The p.W1497* pathogenic mutation (also known as c.4490G>A), located in coding exon 7 of the ALPK3 gene, results from a G to A substitution at nucleotide position 4490. This changes the amino acid from a tryptophan to a stop codon within coding exon 7. This variant is considered to be rare based on population cohorts in the Genome Aggregation Database (gnomAD). This alteration is expected to result in loss of function by premature protein truncation or nonsense-mediated mRNA decay. As such, this alteration is interpreted as a disease-causing mutation.

Literature cited by the submitters: PubMed 21441111 (cited by Labcorp Genetics (formerly Invitae), Labcorp); PubMed 26846950 (cited by Labcorp Genetics (formerly Invitae), Labcorp); PubMed 27106955 (cited by Labcorp Genetics (formerly Invitae), Labcorp); PubMed 34263907 (cited by Labcorp Genetics (formerly Invitae), Labcorp).

NM_020778.5(ALPK3):c.3884G>A (p.Trp1295Ter)

Gene: ALPK3 (alpha kinase 3; plus strand). Cytogenetic location: 15q25.3.
Variant type: single nucleotide variant.
Coding change: c.3884G>A on transcript NM_020778.5 (MANE Select); coding-DNA position 3884, G replaced by A.
Protein change: p.Trp1295Ter; replaces tryptophan 1295 with a stop codon.
Molecular consequence: nonsense.
Genome position (GRCh38, 1-based): chr15:84,859,309, G>A. VCF-style: chr15-84859309-G-A. GRCh37 (hg19) VCF-style: chr15-85402540-G-A.
Other names: short protein forms W1295*.
Identifiers: ClinVar variation 1368779 (VCV001368779.12), dbSNP rs2141570234, ClinGen allele CA393361410.